The following is an entry in ClinVar:

ClinVar aggregate classification (germline): Likely benign. Review status: criteria provided, multiple submitters, no conflicts (2 of 4 stars). 2 submissions from 2 submitters: Likely benign (2). Last evaluated 2024-10-15.

Allele frequency attached by ClinVar (database versions not stated): gnomAD exomes 0.00002; ExAC 0.00003; gnomAD 0.00005; TOPMed 0.00005.
gnomAD v4.1: 41 of 1,613,530 alleles (0.0025%); highest among the groups gnomAD compares: Middle Eastern, 0.016%; no homozygotes.

Submissions (2):

Labcorp Genetics (formerly Invitae), Labcorp
Classification: Likely benign. Last evaluated: 2024-10-15. Review status: criteria provided, single submitter. Criteria: Invitae Variant Classification Sherloc (09022015). Collection method: clinical testing. Allele origin: germline.

CeGaT Center for Human Genetics Tuebingen
Classification: Likely benign. Last evaluated: 2022-03-01. Review status: criteria provided, single submitter. Criteria: CeGaT Center For Human Genetics Tuebingen Variant Classification Criteria Version 2. Collection method: clinical testing. Allele origin: germline. Affected: yes. Observed: 1 variant allele.
Comment: RUSC2: BP4, BP7

NM_014806.5(RUSC2):c.3441C>T (p.Thr1147=)

Gene: RUSC2 (RUN and SH3 domain containing 2; plus strand). Cytogenetic location: 9p13.3.
Variant type: single nucleotide variant.
Coding change: c.3441C>T on transcript NM_014806.5 (MANE Select); coding-DNA position 3441, C replaced by T.
Protein change: p.Thr1147=; no amino-acid change (threonine 1147 retained).
Molecular consequence: synonymous variant. On other transcripts: non-coding transcript variant (1).
Genome position (GRCh38, 1-based): chr9:35,560,081, C>T. VCF-style: chr9-35560081-C-T. GRCh37 (hg19) VCF-style: chr9-35560078-C-T.
Other names: c.3441C>T, p.Thr1147= (NM_001135999.2); c.807C>T, p.Thr269= (NM_001330740.2).
Identifiers: ClinVar variation 1590214 (VCV001590214.32), dbSNP rs746936921, ClinGen allele CA5044161.